The following is an entry in ClinVar:

NM_002519.3(NPAT):c.470T>A (p.Val157Asp)

Gene: NPAT (nuclear protein, coactivator of histone transcription; minus strand). Cytogenetic location: 11q22.3.
Variant type: single nucleotide variant.
Coding change: c.470T>A on transcript NM_002519.3 (MANE Select); coding-DNA position 470, T replaced by A.
Protein change: p.Val157Asp; replaces valine 157 with aspartic acid.
Molecular consequence: missense variant.
Genome position (GRCh38, 1-based): chr11:108,189,192, A>T on the plus strand (T>A on the coding strand, the complement: NPAT is on the minus strand). VCF-style: chr11-108189192-A-T. GRCh37 (hg19) VCF-style: chr11-108059919-A-T.
Other names: c.470T>A, p.Val157Asp (NM_001321307.1); short protein forms V157D.
Identifiers: ClinVar variation 2496673 (VCV002496673.5), dbSNP rs757325183, ClinGen allele CA228401303.

ClinVar aggregate classification (germline): Uncertain significance. Review status: criteria provided, multiple submitters, no conflicts (2 of 4 stars). 2 submissions from 2 submitters: Uncertain significance (2). Last evaluated 2025-06-23.

Allele frequency attached by ClinVar (database versions not stated): gnomAD 0.00001; gnomAD exomes 0.00003; TOPMed 0.00002.
gnomAD v4.1: 43 of 1,614,076 alleles (0.0027%); highest among the groups gnomAD compares: Non-Finnish European, 0.0035%; no homozygotes.

Submissions (2):

Labcorp Genetics (formerly Invitae), Labcorp
Classification: Uncertain significance. Last evaluated: 2025-06-23. Review status: criteria provided, single submitter. Criteria: Invitae Variant Classification Sherloc (09022015). Collection method: clinical testing. Allele origin: germline.
Comment: This sequence change replaces valine, which is neutral and non-polar, with aspartic acid, which is acidic and polar, at codon 157 of the NPAT protein (p.Val157Asp). This variant is present in population databases (rs757325183, gnomAD 0.007%). This variant has not been reported in the literature in individuals affected with NPAT-related conditions. ClinVar contains an entry for this variant (Variation ID: 2496673). An algorithm developed to predict the effect of missense changes on protein structure and function (PolyPhen-2) suggests that this variant is likely to be disruptive. In summary, the available evidence is currently insufficient to determine the role of this variant in disease. Therefore, it has been classified as a Variant of Uncertain Significance.

Ambry Genetics
Classification: Uncertain significance. Last evaluated: 2023-03-12. Review status: criteria provided, single submitter. Criteria: Ambry Variant Classification Scheme 2023. Collection method: clinical testing. Allele origin: germline.
Comment: The p.V157D variant (also known as c.470T>A), located in coding exon 6 of the NPAT gene, results from a T to A substitution at nucleotide position 470. The valine at codon 157 is replaced by aspartic acid, an amino acid with highly dissimilar properties. This amino acid position is conserved. In addition, this alteration is predicted to be tolerated by in silico analysis. Since supporting evidence is limited at this time, the clinical significance of this alteration remains unclear.